The following is an entry in ClinVar:

NM_205836.3(FBXO38):c.2402G>T (p.Arg801Leu)

Gene: FBXO38 (F-box protein 38; plus strand). Cytogenetic location: 5q32.
Variant type: single nucleotide variant.
Coding change: c.2402G>T on transcript NM_205836.3 (MANE Select); coding-DNA position 2402, G replaced by T.
Protein change: p.Arg801Leu; replaces arginine 801 with leucine.
Molecular consequence: missense variant. On other transcripts: intron variant (1).
Genome position (GRCh38, 1-based): chr5:148,427,696, G>T. VCF-style: chr5-148427696-G-T. GRCh37 (hg19) VCF-style: chr5-147807259-G-T.
Other names: c.2402G>T, p.Arg801Leu (NM_030793.5); c.1918+1995G>T (NM_001271723.2); short protein forms R801L.
Identifiers: ClinVar variation 661418 (VCV000661418.12), dbSNP rs751618541, ClinGen allele CA361657710.
Genomic context (GRCh38, chr5:148,427,696, plus strand): 5'-CCCAGGAATCCCAAAGGAGAACTAGCAGGTGTTCTGATGAGGAACGTCCTTCAACCAGCC[G>T]AGCCTGTGTTGTGAATGGCCCGGATGGTACGAGATCCGCCTTTTCCTTTAGGACTCTGCC-3'
Protein context (NP_995308.1, residues 791-811): CSDEERPSTS[Arg801Leu]ACVVNGPDGT

ClinVar aggregate classification (germline): Uncertain significance (1 of 4 stars; one submission).

Conditions:
Distal hereditary motor neuropathy type 2. Identifiers: Orphanet 139525, MedGen C3711384, MeSH C580044, MONDO:0015352.

Allele frequency attached by ClinVar (database versions not stated): TOPMed 0.00001.
gnomAD v4.1: 8 of 1,614,070 alleles (0.0005%); highest among the groups gnomAD compares: Non-Finnish European, 0.00068%; no homozygotes.

Submission:

Labcorp Genetics (formerly Invitae), Labcorp
Classification: Uncertain significance for Distal hereditary motor neuropathy type 2. Last evaluated: 2025-06-20. Review status: criteria provided, single submitter. Criteria: Invitae Variant Classification Sherloc (09022015). Collection method: clinical testing. Allele origin: germline.
Comment: This sequence change replaces arginine, which is basic and polar, with leucine, which is neutral and non-polar, at codon 801 of the FBXO38 protein (p.Arg801Leu). This variant is not present in population databases (gnomAD no frequency). This variant has not been reported in the literature in individuals affected with FBXO38-related conditions. ClinVar contains an entry for this variant (Variation ID: 661418). Invitae Evidence Modeling of protein sequence and biophysical properties (such as structural, functional, and spatial information, amino acid conservation, physicochemical variation, residue mobility, and thermodynamic stability) indicates that this missense variant is not expected to disrupt FBXO38 protein function with a negative predictive value of 80%. In summary, the available evidence is currently insufficient to determine the role of this variant in disease. Therefore, it has been classified as a Variant of Uncertain Significance.